The following is an entry in ClinVar:

ClinVar aggregate classification (germline): Uncertain significance. Review status: criteria provided, multiple submitters, no conflicts (2 of 4 stars). 3 submissions from 3 submitters: Uncertain significance (2). 1 of the submissions does not count toward it. Last evaluated 2024-08-10.

Conditions:
Cardiovascular phenotype. Identifiers: MedGen CN230736.
Hypertrophic cardiomyopathy 14. Identifiers: MedGen C2750467, MONDO:0013197, OMIM 613251.
MYH6-related disorder. Also called: MYH6-Related Disorders; MYH6-related condition.

Allele frequency attached by ClinVar (database versions not stated): gnomAD exomes below 0.00001; ExAC 0.00001; TOPMed 0.00001; gnomAD 0.00002; 1000 Genomes Project 0.00020; 1000 Genomes Project 30x 0.00031.
gnomAD v4.1: 9 of 1,613,230 alleles (0.00056%); highest among the groups gnomAD compares: African/African-American, 0.0094%; no homozygotes.

Submissions (3):

Labcorp Genetics (formerly Invitae), Labcorp
Classification: Uncertain significance for Hypertrophic cardiomyopathy 14. Last evaluated: 2024-08-10. Review status: criteria provided, single submitter. Criteria: Invitae Variant Classification Sherloc (09022015). Collection method: clinical testing. Allele origin: germline.
Comment: This sequence change replaces phenylalanine, which is neutral and non-polar, with valine, which is neutral and non-polar, at codon 313 of the MYH6 protein (p.Phe313Val). This variant is present in population databases (rs576034003, gnomAD 0.004%). This variant has not been reported in the literature in individuals affected with MYH6-related conditions. Advanced modeling of protein sequence and biophysical properties (such as structural, functional, and spatial information, amino acid conservation, physicochemical variation, residue mobility, and thermodynamic stability) performed at Invitae indicates that this missense variant is expected to disrupt MYH6 protein function with a positive predictive value of 80%. In summary, the available evidence is currently insufficient to determine the role of this variant in disease. Therefore, it has been classified as a Variant of Uncertain Significance.

Ambry Genetics
Classification: Uncertain significance for Cardiovascular phenotype. Last evaluated: 2023-10-11. Review status: criteria provided, single submitter. Criteria: Ambry Variant Classification Scheme 2023. Collection method: clinical testing. Allele origin: germline.
Comment: The p.F313V variant (also known as c.937T>G), located in coding exon 9 of the MYH6 gene, results from a T to G substitution at nucleotide position 937. The phenylalanine at codon 313 is replaced by valine, an amino acid with highly similar properties. This amino acid position is well conserved in available vertebrate species. In addition, the in silico prediction for this alteration is inconclusive. Since supporting evidence is limited at this time, the clinical significance of this alteration remains unclear.

PreventionGenetics, part of Exact Sciences
Classification: Uncertain significance for MYH6-related condition. Last evaluated: 2024-05-06. Review status: no assertion criteria provided. Collection method: clinical testing. Allele origin: germline. Not counted in ClinVar's aggregate classification.
Comment: The MYH6 c.937T>G variant is predicted to result in the amino acid substitution p.Phe313Val. To our knowledge, this variant has not been reported in the literature. This variant is reported in 0.0040% of alleles in individuals of African descent in gnomAD. At this time, the clinical significance of this variant is uncertain due to the absence of conclusive functional and genetic evidence.

NM_002471.4(MYH6):c.937T>G (p.Phe313Val)

Gene: MYH6 (myosin heavy chain 6; minus strand). Cytogenetic location: 14q11.2.
Variant type: single nucleotide variant.
Coding change: c.937T>G on transcript NM_002471.4 (MANE Select); coding-DNA position 937, T replaced by G.
Protein change: p.Phe313Val; replaces phenylalanine 313 with valine.
Molecular consequence: missense variant.
Genome position (GRCh38, 1-based): chr14:23,402,762, A>C on the plus strand (T>G on the coding strand, the complement: MYH6 is on the minus strand). VCF-style: chr14-23402762-A-C. GRCh37 (hg19) VCF-style: chr14-23871971-A-C.
Other names: short protein forms F313V.
Identifiers: ClinVar variation 3222364 (VCV003222364.4), dbSNP rs576034003, ClinGen allele CA7115964.